The following is an entry in ClinVar:

NM_001384732.1(CPLANE1):c.7978A>G (p.Asn2660Asp)

Gene: CPLANE1 (ciliogenesis and planar polarity effector complex subunit 1; minus strand). Cytogenetic location: 5p13.2.
Variant type: single nucleotide variant.
Coding change: c.7978A>G on transcript NM_001384732.1 (MANE Select); coding-DNA position 7978, A replaced by G.
Protein change: p.Asn2660Asp; replaces asparagine 2660 with aspartic acid.
Molecular consequence: missense variant.
Genome position (GRCh38, 1-based): chr5:37,157,703, T>C on the plus strand (A>G on the coding strand, the complement: CPLANE1 is on the minus strand). VCF-style: chr5-37157703-T-C. GRCh37 (hg19) VCF-style: chr5-37157805-T-C.
Other names: c.7924A>G, p.Asn2642Asp (NM_023073.4); c.7924A>G (NM_023073.3); short protein forms N2642D, N2660D.
Identifiers: ClinVar variation 1515842 (VCV001515842.8), dbSNP rs756411183, ClinGen allele CA3237904.
Genomic context (GRCh38, chr5:37,157,703, plus strand): 5'-TTTGTTTTAAAAGTAGGAAAAAATTACCTTGACTCTTAAAATTATGTGGGGGAACAGCAT[T>C]AGTAACTGAAGCTGCCATATAATGTAACTCTGCAGACGATGGAACTGCTAGATGATCGCT-3'
Protein context (NP_001371661.1, residues 2650-2670): ELHYMAASVT[Asn2660Asp]AVPPHNFKSQ

ClinVar aggregate classification (germline): Uncertain significance. Review status: criteria provided, multiple submitters, no conflicts (2 of 4 stars). 3 submissions from 3 submitters: Uncertain significance (3). Last evaluated 2024-02-25.

Conditions:
Joubert syndrome 17 (JBTS17). Identifiers: Orphanet 475, MedGen C3553264, MONDO:0013824, OMIM 614615.
Orofaciodigital syndrome type 6 (OFD6). Also called: OROFACIODIGITAL SYNDROME VI; OFDS VI; POLYDACTYLY, CLEFT LIP/PALATE OR LINGUAL LUMP, AND PSYCHOMOTOR RETARDATION; VARADI SYNDROME; VARADI-PAPP SYNDROME; Oral-facial-digital syndrome type 6. Identifiers: Orphanet 2754, MedGen C2745997, MONDO:0010176, OMIM 277170.

gnomAD v4.1: 96 of 1,613,708 alleles (0.0059%); highest among the groups gnomAD compares: Non-Finnish European, 0.0078%; no homozygotes.

Submissions (3):

Fulgent Genetics
Classification: Uncertain significance for Orofaciodigital syndrome type 6; Joubert syndrome 17. Last evaluated: 2024-02-25. Review status: criteria provided, single submitter. Criteria: ACMG Guidelines, 2015. Collection method: clinical testing. Allele origin: germline.

Labcorp Genetics (formerly Invitae), Labcorp
Classification: Uncertain significance. Last evaluated: 2023-12-11. Review status: criteria provided, single submitter. Criteria: Invitae Variant Classification Sherloc (09022015). Collection method: clinical testing. Allele origin: germline.
Comment: This sequence change replaces asparagine, which is neutral and polar, with aspartic acid, which is acidic and polar, at codon 2642 of the CPLANE1 protein (p.Asn2642Asp). This variant is present in population databases (rs756411183, gnomAD 0.01%). This variant has not been reported in the literature in individuals affected with CPLANE1-related conditions. ClinVar contains an entry for this variant (Variation ID: 1515842). Advanced modeling of protein sequence and biophysical properties (such as structural, functional, and spatial information, amino acid conservation, physicochemical variation, residue mobility, and thermodynamic stability) performed at Invitae indicates that this missense variant is not expected to disrupt CPLANE1 protein function with a negative predictive value of 95%. In summary, the available evidence is currently insufficient to determine the role of this variant in disease. Therefore, it has been classified as a Variant of Uncertain Significance.

Blueprint Genetics
Classification: Uncertain significance. Last evaluated: 2023-03-30. Review status: criteria provided, single submitter. Criteria: ACMG Guidelines, 2015. Collection method: clinical testing. Allele origin: germline.